The following is an entry in ClinVar:

ClinVar aggregate classification (germline): Uncertain significance (1 of 4 stars; one submission).

Conditions:
Hereditary cancer-predisposing syndrome. Also called: Neoplastic Syndromes, Hereditary; Tumor predisposition; Hereditary neoplastic syndrome; Hereditary Cancer Syndrome. Identifiers: Orphanet 140162, MedGen C0027672, MeSH D009386, MONDO:0015356.
Cardiovascular phenotype. Identifiers: MedGen CN230736.

Submission:

Ambry Genetics
Classification: Uncertain significance for Cardiovascular phenotype; Hereditary cancer-predisposing syndrome. Last evaluated: 2023-09-27. Review status: criteria provided, single submitter. Criteria: Ambry Variant Classification Scheme 2023. Collection method: clinical testing. Allele origin: germline.
Comment: The p.I402T variant (also known as c.1205T>C), located in coding exon 11 of the LZTR1 gene, results from a T to C substitution at nucleotide position 1205. The isoleucine at codon 402 is replaced by threonine, an amino acid with similar properties. This amino acid position is conserved. In addition, this alteration is predicted to be deleterious by in silico analysis. Since supporting evidence is limited at this time, the clinical significance of this alteration remains unclear.

NM_006767.4(LZTR1):c.1205T>C (p.Ile402Thr)

Gene: LZTR1 (leucine zipper like post translational regulator 1; plus strand). Cytogenetic location: 22q11.21.
Variant type: single nucleotide variant.
Coding change: c.1205T>C on transcript NM_006767.4 (MANE Select); coding-DNA position 1205, T replaced by C.
Protein change: p.Ile402Thr; replaces isoleucine 402 with threonine.
Molecular consequence: missense variant.
Genome position (GRCh38, 1-based): chr22:20,992,849, T>C. VCF-style: chr22-20992849-T-C. GRCh37 (hg19) VCF-style: chr22-21347138-T-C.
Other names: short protein forms I402T.
Identifiers: ClinVar variation 3238033 (VCV003238033.1), dbSNP rs2518618832.